The following is an entry in ClinVar:

NM_001370259.2(MEN1):c.1775T>C (p.Val592Ala)

Gene: MEN1 (menin 1; minus strand). Cytogenetic location: 11q13.1.
Variant type: single nucleotide variant.
Coding change: c.1775T>C on transcript NM_001370259.2 (MANE Select); coding-DNA position 1775, T replaced by C.
Protein change: p.Val592Ala; replaces valine 592 with alanine.
Molecular consequence: missense variant.
Genome position (GRCh38, 1-based): chr11:64,804,392, A>G on the plus strand (T>C on the coding strand, the complement: MEN1 is on the minus strand). VCF-style: chr11-64804392-A-G. GRCh37 (hg19) VCF-style: chr11-64571864-A-G.
Other names: c.1790T>C, p.Val597Ala (NM_000244.4, NM_130800.3, NM_130801.3 and 3 more transcripts); c.1901T>C, p.Val634Ala (NM_001370251.2); c.1775T>C, p.Val592Ala (NM_001370260.2, NM_001370261.2, NM_130799.3); c.1670T>C, p.Val557Ala (NM_001370262.2, NM_001370263.2); short protein forms V597A, V557A, V592A, V634A.
Identifiers: ClinVar variation 1525376 (VCV001525376.9), dbSNP rs1941489030, ClinGen allele CA381177343.

ClinVar aggregate classification (germline): Uncertain significance. Review status: criteria provided, multiple submitters, no conflicts (2 of 4 stars). 2 submissions from 2 submitters: Uncertain significance (2). Last evaluated 2024-11-27.

Conditions:
Multiple endocrine neoplasia, type 1 (MEN1). Also called: Endocrine adenomatosis multiple; MEN 1; MEN I; WERMER SYNDROME; MEA I. Identifiers: Orphanet 652, MedGen C0025267, MeSH D018761, MONDO:0007540, OMIM 131100.
Hereditary cancer-predisposing syndrome. Also called: Tumor predisposition; Hereditary neoplastic syndrome; Neoplastic Syndromes, Hereditary; Hereditary Cancer Syndrome. Identifiers: Orphanet 140162, MedGen C0027672, MeSH D009386, MONDO:0015356.

Submissions (2):

Labcorp Genetics (formerly Invitae), Labcorp
Classification: Uncertain significance for Multiple endocrine neoplasia, type 1. Last evaluated: 2024-11-27. Review status: criteria provided, single submitter. Criteria: Invitae Variant Classification Sherloc (09022015). Collection method: clinical testing. Allele origin: germline.
Comment: This sequence change replaces valine, which is neutral and non-polar, with alanine, which is neutral and non-polar, at codon 592 of the MEN1 protein (p.Val592Ala). This variant is not present in population databases (gnomAD no frequency). This variant has not been reported in the literature in individuals affected with MEN1-related conditions. ClinVar contains an entry for this variant (Variation ID: 1525376). Invitae Evidence Modeling of protein sequence and biophysical properties (such as structural, functional, and spatial information, amino acid conservation, physicochemical variation, residue mobility, and thermodynamic stability) indicates that this missense variant is not expected to disrupt MEN1 protein function with a negative predictive value of 95%. In summary, the available evidence is currently insufficient to determine the role of this variant in disease. Therefore, it has been classified as a Variant of Uncertain Significance.

Ambry Genetics
Classification: Uncertain significance for Hereditary cancer-predisposing syndrome. Last evaluated: 2021-04-28. Review status: criteria provided, single submitter. Criteria: Ambry Variant Classification Scheme 2023. Collection method: clinical testing. Allele origin: germline.
Comment: The p.V592A variant (also known as c.1775T>C), located in coding exon 9 of the MEN1 gene, results from a T to C substitution at nucleotide position 1775. The valine at codon 592 is replaced by alanine, an amino acid with similar properties. This amino acid position is not well conserved in available vertebrate species. In addition, this alteration is predicted to be tolerated by in silico analysis. Since supporting evidence is limited at this time, the clinical significance of this alteration remains unclear.